The following is an entry in ClinVar:

NM_004333.6(BRAF):c.1315-105C>G

Gene: BRAF (B-Raf proto-oncogene, serine/threonine kinase; minus strand). Cytogenetic location: 7q34.
Variant type: single nucleotide variant.
Coding change: c.1315-105C>G on transcript NM_004333.6 (MANE Select); 105 bases into the intron before coding-DNA position 1315, C replaced by G.
Molecular consequence: intron variant.
Genome position (GRCh38, 1-based): chr7:140,781,798, G>C on the plus strand (C>G on the coding strand, the complement: BRAF is on the minus strand). VCF-style: chr7-140781798-G-C. GRCh37 (hg19) VCF-style: chr7-140481598-G-C.
Other names: c.1315-105C>G (NM_001378474.1, NM_001378468.1, NM_001354609.2); c.1213-105C>G (NM_001378470.1); c.1051-105C>G (NM_001378475.1); c.1204-105C>G (NM_001378471.1); c.1435-105C>G (NM_001374258.1, NM_001374244.1); c.1324-105C>G (NM_001378467.1); c.1159-105C>G (NM_001378472.1, NM_001378473.1); c.1249-105C>G (NM_001378469.1).
Identifiers: ClinVar variation 2658024 (VCV002658024.24), dbSNP rs71645971, ClinGen allele CA168090714.

ClinVar aggregate classification (germline): Likely benign (1 of 4 stars; one submission).

Allele frequency attached by ClinVar (database versions not stated): gnomAD exomes 0.00032; 1000 Genomes Project 0.00319; gnomAD 0.00325; 1000 Genomes Project 30x 0.00344; TOPMed 0.00400.
gnomAD v4.1: 757 of 898,376 alleles (0.084%); highest among the groups gnomAD compares: African/African-American, 1.1%; 3 homozygotes.

Submission:

CeGaT Center for Human Genetics Tuebingen
Classification: Likely benign. Last evaluated: 2026-04-01. Review status: criteria provided, single submitter. Criteria: CeGaT Center For Human Genetics Tuebingen Variant Classification Criteria Version 2. Collection method: clinical testing. Allele origin: germline. Affected: yes. Observed: 5 variant alleles.
Comment: BRAF: BS1